The following is an entry in ClinVar:

ClinVar aggregate classification (germline): Uncertain significance. Review status: criteria provided, multiple submitters, no conflicts (2 of 4 stars). 2 submissions from 2 submitters: Uncertain significance (2). Last evaluated 2025-02-26.

Allele frequency attached by ClinVar (database versions not stated): TOPMed 0.00002.

Submissions (2):

Labcorp Genetics (formerly Invitae), Labcorp
Classification: Uncertain significance. Last evaluated: 2025-02-26. Review status: criteria provided, single submitter. Criteria: Invitae Variant Classification Sherloc (09022015). Collection method: clinical testing. Allele origin: germline.
Comment: This sequence change replaces aspartic acid, which is acidic and polar, with histidine, which is basic and polar, at codon 481 of the ATP2B2 protein (p.Asp481His). This variant is present in population databases (rs202118324, gnomAD 0.004%). This variant has not been reported in the literature in individuals affected with ATP2B2-related conditions. ClinVar contains an entry for this variant (Variation ID: 1939737). Invitae Evidence Modeling of protein sequence and biophysical properties (such as structural, functional, and spatial information, amino acid conservation, physicochemical variation, residue mobility, and thermodynamic stability) indicates that this missense variant is not expected to disrupt ATP2B2 protein function with a negative predictive value of 80%. In summary, the available evidence is currently insufficient to determine the role of this variant in disease. Therefore, it has been classified as a Variant of Uncertain Significance.

Ambry Genetics
Classification: Uncertain significance. Last evaluated: 2024-03-07. Review status: criteria provided, single submitter. Criteria: Ambry Variant Classification Scheme 2023. Collection method: clinical testing. Allele origin: germline.

NM_001001331.4(ATP2B2):c.1576G>C (p.Asp526His)

Gene: ATP2B2 (ATPase plasma membrane Ca2+ transporting 2; minus strand). Cytogenetic location: 3p25.3.
Variant type: single nucleotide variant.
Coding change: c.1576G>C on transcript NM_001001331.4 (MANE Select); coding-DNA position 1576, G replaced by C.
Protein change: p.Asp526His; replaces aspartic acid 526 with histidine.
Molecular consequence: missense variant.
Genome position (GRCh38, 1-based): chr3:10,371,892, C>G on the plus strand (G>C on the coding strand, the complement: ATP2B2 is on the minus strand). VCF-style: chr3-10371892-C-G. GRCh37 (hg19) VCF-style: chr3-10413576-C-G.
Other names: c.1441G>C, p.Asp481His (NM_001330611.3, NM_001353564.1, NM_001363862.1 and 1 more transcripts); c.1441G>C (NM_001683.3); short protein forms D526H, D481H.
Identifiers: ClinVar variation 1939737 (VCV001939737.6), dbSNP rs202118324, ClinGen allele CA2253636.